The following is an entry in ClinVar:

ClinVar aggregate classification (germline): Uncertain significance. Review status: criteria provided, multiple submitters, no conflicts (2 of 4 stars). 2 submissions from 2 submitters: Uncertain significance (2). Last evaluated 2024-11-21.

Conditions:
Hecht syndrome (DA7). Also called: MOUTH, INABILITY TO OPEN COMPLETELY, AND SHORT FINGER-FLEXOR TENDONS; Dutch-Kentucky syndrome. Identifiers: Orphanet 3377, MedGen C0265226, MONDO:0008016, OMIM 158300. Disease mechanism: gain of function.
Neuromuscular disease. Also called: Neuromuscular disorder; Neuromyopathy. Identifiers: Orphanet 68381, MedGen C0027868, MeSH D009468, MONDO:0019056.

Allele frequency attached by ClinVar (database versions not stated): gnomAD exomes below 0.00001 and 0.00001; ExAC 0.00001; TOPMed 0.00001; gnomAD 0.00002.
gnomAD v4.1: 11 of 1,614,116 alleles (0.00068%); highest among the groups gnomAD compares: Admixed American, 0.0017%; no homozygotes.

Submissions (2):

Broad Center for Mendelian Genomics, Broad Institute of MIT and Harvard
Classification: Uncertain significance for Neuromuscular disease. Last evaluated: 2024-11-21. Review status: criteria provided, single submitter. Criteria: ACMG Guidelines, 2015. Collection method: curation. Allele origin: germline. Inheritance: Autosomal recessive inheritance. Study: GREGoR Consortium.
Comment: While this gene is still lacking sufficient evidence to establish a gene-disease relationship, we believe this is a possible novel mode of inheritance for MYH8. Given the limited information about this gene-disease relationship, the significance of the p.Lys1732Glu variant is uncertain. If you have any additional information about functional evidence or other individuals with this phenotype that also have recessive variants in MYH8 we encourage you to reach out to us.

Illumina Laboratory Services, Illumina
Classification: Uncertain significance for Hecht syndrome. Last evaluated: 2018-01-13. Review status: criteria provided, single submitter. Criteria: ICSL Variant Classification Criteria 13 December 2019. Collection method: clinical testing. Allele origin: germline.

NM_002472.3(MYH8):c.5194A>G (p.Lys1732Glu)

Genes: MYHAS (myosin heavy chain gene cluster antisense RNA; plus strand), MYH8 (myosin heavy chain 8; minus strand). Cytogenetic location: 17p13.1.
Variant type: single nucleotide variant.
Coding change: c.5194A>G on transcript NM_002472.3 (MANE Select); coding-DNA position 5194, A replaced by G.
Protein change: p.Lys1732Glu; replaces lysine 1732 with glutamic acid.
Molecular consequence: missense variant.
Genome position (GRCh38, 1-based): chr17:10,393,183, T>C on the plus strand (A>G on the coding strand, the complement: MYH8 is on the minus strand). VCF-style: chr17-10393183-T-C. GRCh37 (hg19) VCF-style: chr17-10296500-T-C.
Other names: NM_002472.3(MYH8):c.5194A>G; p.Lys1732Glu; short protein forms K1732E.
Identifiers: ClinVar variation 886370 (VCV000886370.4), dbSNP rs765715898, ClinGen allele CA8387106.